The following is an entry in ClinVar:

ClinVar aggregate classification (germline): Likely pathogenic (1 of 4 stars; one submission).

Conditions:
Autosomal recessive TBC1D24-related disorders.

Submission:

Variantyx, Inc.
Classification: Likely pathogenic for Autosomal recessive TBC1D24-related disorders. Last evaluated: 2025-12-08. Review status: criteria provided, single submitter. Criteria: Variantyx Assertion Criteria 2022. Collection method: clinical testing. Allele origin: germline. Inheritance: Autosomal recessive inheritance. Affected: no.
Comment: This is a frameshift variant in the TBC1D24 gene (OMIM: 613577). Pathogenic variants in this gene have been associated with autosomal recessive TBC1D24-related disorders. This variant introduces a premature termination codon in exon 2 out of 8 and is expected to result in loss of function, which is a known disease mechanism for TBC1D24 in these disorders (PMID:25557349, 3526554, 30858606) (PVS1). This variant is absent from control populations (PM2). Based on the current evidence, this variant is classified as likely pathogenic for autosomal recessive TBC1D24-related disorders.

Literature cited by the submitters: PubMed 25557349; PubMed 3526554; PubMed 30858606.

NM_001199107.2(TBC1D24):c.61del (p.Asp21fs)

Gene: TBC1D24 (TBC1 domain family member 24; plus strand). Cytogenetic location: 16p13.3.
Variant type: Deletion.
Coding change: c.61del on transcript NM_001199107.2 (MANE Select); coding-DNA position 61, one base deleted (G; older notation c.61delG).
Protein change: p.Asp21fs; shifts the reading frame from aspartic acid 21.
Molecular consequence: frameshift variant.
Genome position (GRCh38, 1-based): chr16:2,496,209, G deleted; the last of 2 consecutive G bases (chr16:2,496,208-2,496,209); deleting either gives the same sequence. VCF-style (leftmost placement, unchanged base first): chr16-2496207-AG-A. GRCh37 (hg19) VCF-style: chr16-2546208-AG-A.
Other names: c.61del, p.Asp21fs (NM_020705.3); short protein forms D21fs.
Identifiers: ClinVar variation 4850030 (VCV004850030.1).